The following is an entry in ClinVar:

NM_000260.4(MYO7A):c.1012_1013insGCTGTGCCCC (p.Phe338fs)

Gene: MYO7A (myosin VIIA; plus strand). Cytogenetic location: 11q13.5.
Variant type: Insertion.
Coding change: c.1012_1013insGCTGTGCCCC on transcript NM_000260.4 (MANE Select); coding-DNA positions 1012 to 1013, GCTGTGCCCC inserted.
Protein change: p.Phe338fs; shifts the reading frame from phenylalanine 338.
Molecular consequence: frameshift variant.
Genome position: GRCh38 VCF-style: chr11-77159455-T-TGCTGTGCCCC. GRCh37 (hg19) VCF-style: chr11-76870501-T-TGCTGTGCCCC.
Other names: c.1012_1013insGCTGTGCCCC, p.Phe338fs (NM_001127180.2); c.979_980insGCTGTGCCCC, p.Phe327fs (NM_001369365.1); short protein forms F327fs, F338fs.
Identifiers: ClinVar variation 4818012 (VCV004818012.1).
Genomic context (GRCh38, chr11:77,159,455, plus strand): 5'-CCCCTGTTGCCCACCCTCCCTCCCCTGATGCTGTGCCCCTTGCTGCCAACAGCACGCACA[T>TGCTGTGCCCC]TTGAAAACCTGGATGCCTGTGAGGTTCTCTTCTCCCCATCGCTGGCCACAGCTGCATCCC-3'

ClinVar aggregate classification (germline): Likely pathogenic (1 of 4 stars; one submission).

Conditions:
Usher syndrome type 1B (USH1B). Also called: Usher syndrome type IB. Identifiers: MedGen C1848638, MONDO:0700087.

Submission:

Natera, Inc.
Classification: Likely pathogenic for Usher syndrome type 1B. Last evaluated: 2024-08-19. Review status: criteria provided, single submitter. Criteria: Natera Variant Classification Schema (03/2026). Collection method: clinical testing. Allele origin: germline.
Comment: The c.1012_1013insGCTGTGCCCC variant in MYO7A is a frameshift variant predicted to shift the reading frame beginning at codon 338 and leads to a stop codon 5 codons downstream. This variant is expected to result in nonsense mediated decay, truncation, or a dysfunctional protein product. This variant is rare in the general population with a frequency below the threshold expected for the associated phenotype(s). Given the available evidence, this variant is classified as Likely Pathogenic.